The following is an entry in ClinVar:

ClinVar aggregate classification (germline): Pathogenic (1 of 4 stars; one submission).

Conditions:
Hydrocephalus, nonsyndromic, autosomal recessive 1 (HYC1). Also called: Hydrocephalus, nonsyndromic, autosomal recessive; Congenital hydrocephalus 1. Identifiers: Orphanet 2185, MedGen C3887608, MONDO:0009360, OMIM 236600.

Submission:

Myriad Genetics, Inc.
Classification: Pathogenic for Hydrocephalus, nonsyndromic, autosomal recessive 1. Last evaluated: 2026-02-11. Review status: criteria provided, single submitter. Criteria: Myriad Autosomal Dominant, Autosomal Recessive and X-Linked Classification Criteria (2023). Collection method: clinical testing. Allele origin: unknown.
Comment: NM_001080414.3(CCDC88C):c.2009delG(G670Afs*9) is expected to be pathogenic in the context of congenital hydrocephalus, CCDC88C-related. This variant is predicted to lead to an abnormal or absent protein product due to the creation of a premature termination codon in CCDC88C, a gene where loss-of-function variants are known to be pathogenic. Please note: this variant was assessed in the context of healthy population screening.

NM_001080414.4(CCDC88C):c.2009del (p.Gly670fs)

Gene: CCDC88C (coiled-coil and HOOK domain protein 88C; minus strand). Cytogenetic location: 14q32.11.
Variant type: Deletion.
Coding change: c.2009del on transcript NM_001080414.4 (MANE Select); coding-DNA position 2009, one base deleted (G; older notation c.2009delG).
Protein change: p.Gly670fs; shifts the reading frame from glycine 670.
Molecular consequence: frameshift variant. On other transcripts: non-coding transcript variant (2).
Genome position (GRCh38, 1-based): chr14:91,313,807, C deleted on the plus strand (G on the coding strand, the reverse complement: CCDC88C is on the minus strand); the first of 3 consecutive C bases (chr14:91,313,807-91,313,809); deleting any one gives the same sequence. VCF-style (leftmost placement, unchanged base first): chr14-91313806-GC-G. GRCh37 (hg19) VCF-style: chr14-91780150-GC-G.
Other names: short protein forms G670fs.
Identifiers: ClinVar variation 5015539 (VCV005015539.1).